The following is an entry in ClinVar:

NM_006662.3(SRCAP):c.9586C>A (p.Leu3196Ile)

Gene: SRCAP (Snf2 related CREBBP activator protein; plus strand). Cytogenetic location: 16p11.2.
Variant type: single nucleotide variant.
Coding change: c.9586C>A on transcript NM_006662.3 (MANE Select); coding-DNA position 9586, C replaced by A.
Protein change: p.Leu3196Ile; replaces leucine 3196 with isoleucine.
Molecular consequence: missense variant.
Genome position (GRCh38, 1-based): chr16:30,739,626, C>A. VCF-style: chr16-30739626-C-A. GRCh37 (hg19) VCF-style: chr16-30750947-C-A.
Other names: short protein forms L3196I.
Identifiers: ClinVar variation 2444838 (VCV002444838.1), dbSNP rs1373688265, ClinGen allele CA395645201.

ClinVar aggregate classification (germline): Uncertain significance (1 of 4 stars; one submission).

Allele frequency attached by ClinVar (database versions not stated): gnomAD exomes 0.00001.
gnomAD v4.1: 3 of 1,591,604 alleles (0.00019%); highest among the groups gnomAD compares: Admixed American, 0.0053%; no homozygotes.

Submission:

GeneDx
Classification: Uncertain significance. Last evaluated: 2022-09-19. Review status: criteria provided, single submitter. Criteria: GeneDx Variant Classification Process June 2021. Collection method: clinical testing. Allele origin: germline. Affected: yes.
Comment: Not observed at significant frequency in large population cohorts (gnomAD); In silico analysis supports that this missense variant does not alter protein structure/function; Has not been previously published as pathogenic or benign to our knowledge